The following is an entry in ClinVar:

ClinVar aggregate classification (germline): Uncertain significance (1 of 4 stars; one submission).

gnomAD v4.1: 2 of 1,614,180 alleles (0.00012%); no homozygotes.

Submission:

Labcorp Genetics (formerly Invitae), Labcorp
Classification: Uncertain significance. Last evaluated: 2025-01-07. Review status: criteria provided, single submitter. Criteria: Invitae Variant Classification Sherloc (09022015). Collection method: clinical testing. Allele origin: germline.
Comment: This sequence change replaces glycine, which is neutral and non-polar, with arginine, which is basic and polar, at codon 1150 of the TCF20 protein (p.Gly1150Arg). This variant is not present in population databases (gnomAD no frequency). This variant has not been reported in the literature in individuals affected with TCF20-related conditions. An algorithm developed to predict the effect of missense changes on protein structure and function (PolyPhen-2) suggests that this variant is likely to be disruptive. In summary, the available evidence is currently insufficient to determine the role of this variant in disease. Therefore, it has been classified as a Variant of Uncertain Significance.

NM_001378418.1(TCF20):c.3448G>A (p.Gly1150Arg)

Gene: TCF20 (transcription factor 20; minus strand). Cytogenetic location: 22q13.2.
Variant type: single nucleotide variant.
Coding change: c.3448G>A on transcript NM_001378418.1 (MANE Select); coding-DNA position 3448, G replaced by A.
Protein change: p.Gly1150Arg; replaces glycine 1150 with arginine.
Molecular consequence: missense variant.
Genome position (GRCh38, 1-based): chr22:42,211,858, C>T on the plus strand (G>A on the coding strand, the complement: TCF20 is on the minus strand). VCF-style: chr22-42211858-C-T. GRCh37 (hg19) VCF-style: chr22-42607864-C-T.
Other names: c.3448G>A, p.Gly1150Arg (NM_005650.4, NM_181492.3); short protein forms G1150R.
Identifiers: ClinVar variation 3670178 (VCV003670178.2).